The following is an entry in ClinVar:

NM_031448.6(C19orf12):c.286A>T (p.Ile96Phe)

Gene: C19orf12 (chromosome 19 open reading frame 12; minus strand). Cytogenetic location: 19q12.
Variant type: single nucleotide variant.
Coding change: c.286A>T on transcript NM_031448.6 (MANE Select); coding-DNA position 286, A replaced by T.
Protein change: p.Ile96Phe; replaces isoleucine 96 with phenylalanine.
Molecular consequence: missense variant.
Genome position (GRCh38, 1-based): chr19:29,702,852, T>A on the plus strand (A>T on the coding strand, the complement: C19orf12 is on the minus strand). VCF-style: chr19-29702852-T-A. GRCh37 (hg19) VCF-style: chr19-30193759-T-A.
Other names: c.286A>T, p.Ile96Phe (NM_001031726.4, NM_001256046.3, NM_001256047.2); c.94A>T, p.Ile32Phe (NM_001282929.1, NM_001282930.3, NM_001282931.3); short protein forms I32F, I96F.
Identifiers: ClinVar variation 3662400 (VCV003662400.2).

ClinVar aggregate classification (germline): Uncertain significance (1 of 4 stars; one submission).

Conditions:
Hereditary spastic paraplegia 43. Also called: Spastic paraplegia 43, autosomal recessive. Identifiers: Orphanet 320370, MedGen C2680446, MONDO:0014024, OMIM 615043.

Submission:

Labcorp Genetics (formerly Invitae), Labcorp
Classification: Uncertain significance for Hereditary spastic paraplegia 43. Last evaluated: 2024-08-31. Review status: criteria provided, single submitter. Criteria: Invitae Variant Classification Sherloc (09022015). Collection method: clinical testing. Allele origin: germline.
Comment: This sequence change replaces isoleucine, which is neutral and non-polar, with phenylalanine, which is neutral and non-polar, at codon 107 of the C19orf12 protein (p.Ile107Phe). This variant is not present in population databases (gnomAD no frequency). This variant has not been reported in the literature in individuals affected with C19orf12-related conditions. An algorithm developed to predict the effect of missense changes on protein structure and function (PolyPhen-2) suggests that this variant is likely to be disruptive. In summary, the available evidence is currently insufficient to determine the role of this variant in disease. Therefore, it has been classified as a Variant of Uncertain Significance.